The following is an entry in ClinVar:

NM_001127198.5(TMC6):c.628G>A (p.Val210Met)

Genes: TMC6 (transmembrane channel like 6; minus strand), LOC130061786 (ATAC-STARR-seq lymphoblastoid silent region 9039; plus strand). Cytogenetic location: 17q25.3.
Variant type: single nucleotide variant.
Coding change: c.628G>A on transcript NM_001127198.5 (MANE Select); coding-DNA position 628, G replaced by A.
Protein change: p.Val210Met; replaces valine 210 with methionine.
Molecular consequence: missense variant. On other transcripts: non-coding transcript variant (3).
Genome position (GRCh38, 1-based): chr17:78,124,894, C>T on the plus strand (G>A on the coding strand, the complement: TMC6 is on the minus strand). VCF-style: chr17-78124894-C-T. GRCh37 (hg19) VCF-style: chr17-76120975-C-T.
Other names: c.628G>A, p.Val210Met (NM_001321185.1, NM_001374593.1, NM_001374594.1 and 4 more transcripts); short protein forms V210M.
Identifiers: ClinVar variation 1475963 (VCV001475963.5), dbSNP rs998707301, ClinGen allele CA294354166.
Genomic context (GRCh38, chr17:78,124,894, plus strand): 5'-GCCACCCCAGCCCTGCCCAGCCGCCCCAGCCCCAGGGCAGACCAGGGGCCCATACCAGCA[C>T]GCAGGCATATCTGAGCCGGCCACAGCAGGAGCAGACCCCGCCGCTGCCCGGCTGGCCCCT-3'
Protein context (NP_001120670.1, residues 200-220): SCCGRLRYAC[Val210Met]LALHSLGLAL

ClinVar aggregate classification (germline): Uncertain significance (1 of 4 stars; one submission).

Conditions:
Epidermodysplasia verruciformis. Identifiers: Orphanet 302, MedGen C0014522, MONDO:0009176.

Allele frequency attached by ClinVar (database versions not stated): gnomAD 0.00003 and 0.00005; 1000 Genomes Project 30x 0.00016.

Submission:

Labcorp Genetics (formerly Invitae), Labcorp
Classification: Uncertain significance for Epidermodysplasia verruciformis. Last evaluated: 2021-09-30. Review status: criteria provided, single submitter. Criteria: Invitae Variant Classification Sherloc (09022015). Collection method: clinical testing. Allele origin: germline.
Comment: This sequence change replaces valine with methionine at codon 210 of the TMC6 protein (p.Val210Met). The valine residue is weakly conserved and there is a small physicochemical difference between valine and methionine. This variant is not present in population databases (ExAC no frequency). This variant has not been reported in the literature in individuals with TMC6-related conditions. Algorithms developed to predict the effect of missense changes on protein structure and function are either unavailable or do not agree on the potential impact of this missense change (SIFT: "Not Available"; PolyPhen-2: "Benign"; Align-GVGD: "Not Available"). In summary, the available evidence is currently insufficient to determine the role of this variant in disease. Therefore, it has been classified as a Variant of Uncertain Significance.